The following is an entry in ClinVar:

NM_000539.3(RHO):c.760_762dup (p.Val254dup)

Gene: RHO (rhodopsin; plus strand). Cytogenetic location: 3q22.1.
Variant type: Duplication.
Coding change: c.760_762dup on transcript NM_000539.3 (MANE Select); coding-DNA positions 760 to 762, 3 bases duplicated (GTC; older notation c.760_762dupGTC).
Protein change: p.Val254dup; duplicates valine 254.
Molecular consequence: inframe insertion.
Genome position (GRCh38, 1-based): chr3:129,532,596-129,532,598, GTC duplicated. VCF-style (leftmost placement, unchanged base first): chr3-129532595-G-GGTC. GRCh37 (hg19) VCF-style: chr3-129251438-G-GGTC.
Identifiers: ClinVar variation 1395612 (VCV001395612.6), dbSNP rs2108750464, ClinGen allele CA2573136493.

ClinVar aggregate classification (germline): Uncertain significance (1 of 4 stars; one submission).

Submission:

Labcorp Genetics (formerly Invitae), Labcorp
Classification: Uncertain significance. Last evaluated: 2022-11-22. Review status: criteria provided, single submitter. Criteria: Invitae Variant Classification Sherloc (09022015). Collection method: clinical testing. Allele origin: germline.
Comment: In summary, the available evidence is currently insufficient to determine the role of this variant in disease. Therefore, it has been classified as a Variant of Uncertain Significance. Experimental studies and prediction algorithms are not available or were not evaluated, and the functional significance of this variant is currently unknown. ClinVar contains an entry for this variant (Variation ID: 1395612). This variant has been observed in individual(s) with autosomal dominant retinitis pigmentosa (Invitae). This variant is not present in population databases (gnomAD no frequency). This variant, c.760_762dup, results in the insertion of 1 amino acid(s) of the RHO protein (p.Val254dup), but otherwise preserves the integrity of the reading frame.